The following is an entry in ClinVar:

NM_020433.5(JPH2):c.385T>A (p.Tyr129Asn)

Gene: JPH2 (junctophilin 2; minus strand). Cytogenetic location: 20q13.12.
Variant type: single nucleotide variant.
Coding change: c.385T>A on transcript NM_020433.5 (MANE Select); coding-DNA position 385, T replaced by A.
Protein change: p.Tyr129Asn; replaces tyrosine 129 with asparagine.
Molecular consequence: missense variant.
Genome position (GRCh38, 1-based): chr20:44,160,402, A>T on the plus strand (T>A on the coding strand, the complement: JPH2 is on the minus strand). VCF-style: chr20-44160402-A-T. GRCh37 (hg19) VCF-style: chr20-42789042-A-T.
Other names: short protein forms Y129N.
Identifiers: ClinVar variation 4806195 (VCV004806195.1).

ClinVar aggregate classification (germline): Uncertain significance (1 of 4 stars; one submission).

Conditions:
Hypertrophic cardiomyopathy. Also called: HYPERTROPHIC MYOCARDIOPATHY. Identifiers: Orphanet 217569, MedGen C0007194, MeSH D002312, MONDO:0005045, HP:0001639.

Submission:

Labcorp Genetics (formerly Invitae), Labcorp
Classification: Uncertain significance for Hypertrophic cardiomyopathy. Last evaluated: 2025-03-16. Review status: criteria provided, single submitter. Criteria: Invitae Variant Classification Sherloc (09022015). Collection method: clinical testing. Allele origin: germline.
Comment: This sequence change replaces tyrosine, which is neutral and polar, with asparagine, which is neutral and polar, at codon 129 of the JPH2 protein (p.Tyr129Asn). This variant is not present in population databases (gnomAD no frequency). This variant has not been reported in the literature in individuals affected with JPH2-related conditions. An algorithm developed to predict the effect of missense changes on protein structure and function (PolyPhen-2) suggests that this variant is likely to be disruptive. In summary, the available evidence is currently insufficient to determine the role of this variant in disease. Therefore, it has been classified as a Variant of Uncertain Significance.